The following is an entry in ClinVar:

NM_001099922.3(ALG13):c.1895C>G (p.Thr632Arg)

Gene: ALG13 (ALG13 UDP-N-acetylglucosaminyltransferase subunit; plus strand). Cytogenetic location: Xq23.
Variant type: single nucleotide variant.
Coding change: c.1895C>G on transcript NM_001099922.3 (MANE Select); coding-DNA position 1895, C replaced by G.
Protein change: p.Thr632Arg; replaces threonine 632 with arginine.
Molecular consequence: missense variant. On other transcripts: non-coding transcript variant (1).
Genome position (GRCh38, 1-based): chrX:111,726,974, C>G. VCF-style: chrX-111726974-C-G. GRCh37 (hg19) VCF-style: chrX-110970202-C-G.
Other names: c.1583C>G, p.Thr528Arg (NM_001257230.2, NM_001257234.2, NM_001257237.2); c.1661C>G, p.Thr554Arg (NM_001257231.2); c.1895C>G, p.Thr632Arg (NM_001324292.2); c.1409C>G, p.Thr470Arg (NM_001324293.1); short protein forms T470R, T554R, T528R, T632R.
Identifiers: ClinVar variation 653113 (VCV000653113.9), dbSNP rs1602745141, ClinGen allele CA414252789.

ClinVar aggregate classification (germline): Uncertain significance (1 of 4 stars; one submission).

Conditions:
Developmental and epileptic encephalopathy, 36 (DEE36). Also called: Congenital disorder of glycosylation, type Is; ALG13-CDG; Epileptic encephalopathy, early infantile, 36. Identifiers: Orphanet 324422, MedGen C4317295, MONDO:0010472, OMIM 300884.

Submission:

Labcorp Genetics (formerly Invitae), Labcorp
Classification: Uncertain significance for Developmental and epileptic encephalopathy, 36. Last evaluated: 2020-03-06. Review status: criteria provided, single submitter. Criteria: Invitae Variant Classification Sherloc (09022015). Collection method: clinical testing. Allele origin: germline.
Comment: This sequence change replaces threonine with arginine at codon 632 of the ALG13 protein (p.Thr632Arg). The threonine residue is weakly conserved and there is a moderate physicochemical difference between threonine and arginine. This variant is not present in population databases (ExAC no frequency). This variant has not been reported in the literature in individuals with ALG13-related conditions. Algorithms developed to predict the effect of missense changes on protein structure and function are either unavailable or do not agree on the potential impact of this missense change (SIFT: "Tolerated"; PolyPhen-2: "Possibly Damaging"; Align-GVGD: "Class C0"). In summary, the available evidence is currently insufficient to determine the role of this variant in disease. Therefore, it has been classified as a Variant of Uncertain Significance.